The following is an entry in ClinVar:

NM_002185.5(IL7R):c.2T>G (p.Met1Arg)

Gene: IL7R (interleukin 7 receptor; plus strand). Cytogenetic location: 5p13.2.
Variant type: single nucleotide variant.
Coding change: c.2T>G on transcript NM_002185.5 (MANE Select); coding-DNA position 2, T replaced by G.
Protein change: p.Met1Arg; changes the start codon (methionine 1).
Molecular consequence: missense variant, initiator codon variant. On other transcripts: non-coding transcript variant (1).
Genome position (GRCh38, 1-based): chr5:35,856,979, T>G. VCF-style: chr5-35856979-T-G. GRCh37 (hg19) VCF-style: chr5-35857081-T-G.
Other names: c.2T>G (NM_002185.2); short protein forms M1R.
Identifiers: ClinVar variation 948034 (VCV000948034.12), dbSNP rs200076125, ClinGen allele CA3231813.

ClinVar aggregate classification (germline): Likely pathogenic. Review status: criteria provided, multiple submitters, no conflicts (2 of 4 stars). 4 submissions from 4 submitters: Likely pathogenic (4). Last evaluated 2026-01-25.

Conditions:
Immunodeficiency 104. Also called: SCID, AUTOSOMAL RECESSIVE, T CELL-NEGATIVE, B CELL-POSITIVE, NK CELL-POSITIVE; IMMUNODEFICIENCY 104, SEVERE COMBINED; Severe combined immunodeficiency, autosomal recessive, T cell-negative, B cell-positive, NK cell-positive; Severe Combined Immune Deficiency, Autosomal Recessive, TCell -Negative, B Cell-Positive, NK Cell-Positive, IL7R-Related. Identifiers: MedGen C5676890, MONDO:0012163, OMIM 608971.
Severe combined immunodeficiency disease. Also called: Severe Combined Immune Deficiency; Severe combined immunodeficiency. Identifiers: Orphanet 183660, MedGen C0085110, MeSH D016511, MONDO:0015974, HP:0004430. Inheritance: X-Linked or Autosomal recessive.

Allele frequency attached by ClinVar (database versions not stated): ExAC 0.00002; gnomAD exomes 0.00002 and 0.00003; gnomAD 0.00003; TOPMed 0.00006; ESP Exome Variant Server 0.00008.

Submissions (4):

Labcorp Genetics (formerly Invitae), Labcorp
Classification: Likely pathogenic for Immunodeficiency 104. Last evaluated: 2026-01-25. Review status: criteria provided, single submitter. Criteria: Invitae Variant Classification Sherloc (09022015). Collection method: clinical testing. Allele origin: germline.
Comment: This sequence change affects the initiator codon of the IL7R mRNA. This change may impact translation initiation or efficiency. The next in-frame methionine is located at codon 10. This variant is present in population databases (rs200076125, gnomAD 0.006%). Disruption of the initiator codon has been observed in individuals with severe combined immunodeficiency (PMID: 18641513; internal data). ClinVar contains an entry for this variant (Variation ID: 948034). Algorithms developed to predict the effect of sequence changes on RNA splicing suggest that this variant may create or strengthen a splice site. In summary, the currently available evidence indicates that the variant is pathogenic, but additional data are needed to prove that conclusively. Therefore, this variant has been classified as Likely Pathogenic.

GeneDx
Classification: Likely pathogenic. Last evaluated: 2025-02-18. Review status: criteria provided, single submitter. Criteria: GeneDx Variant Classification Process June 2021. Collection method: clinical testing. Allele origin: germline. Affected: yes.
Comment: Variant in the first 10% of a gene for which loss of function is a known mechanism of disease; This variant is associated with the following publications: (PMID: 26556299, 18641513, 25255367, 31028937, 38274105, 18442948)

Women's Health and Genetics/Laboratory Corporation of America, LabCorp
Classification: Likely pathogenic for Severe combined immunodeficiency disease. Last evaluated: 2024-08-10. Review status: criteria provided, single submitter. Criteria: LabCorp Variant Classification Summary - May 2015. Collection method: clinical testing. Allele origin: germline.
Comment: Variant summary: IL7R c.2T>G (p.Met1Arg) alters the initiation codon and is predicted to result either in absence of the protein or truncation of the encoded protein due to translation initiation at a downstream codon, with the next in-frame start codon at Met10. Three of three in-silico tools predict a damaging effect of the variant on protein function. The variant allele was found at a frequency of 2.4e-05 in 247786 control chromosomes. c.2T>G has been reported in the literature in individuals affected with Severe Combined Immunodeficiency in multiple homozygotes or in affected individuals with heterozygote or unreported genotypes (e.g. Lebet_2008, Strauss_2008, Bhattacharjee_2015, Cunningham-Rundles_2023). These data indicate that the variant is likely to be associated with disease. To our knowledge, no experimental evidence demonstrating an impact on protein function has been reported. The following publications have been ascertained in the context of this evaluation (PMID: 25255367, 18641513, 18442948, 38274105). ClinVar contains an entry for this variant (Variation ID: 948034). Based on the evidence outlined above, the variant was classified as likely pathogenic.

Fulgent Genetics
Classification: Likely pathogenic for Immunodeficiency 104. Last evaluated: 2024-04-25. Review status: criteria provided, single submitter. Criteria: ACMG Guidelines, 2015. Collection method: clinical testing. Allele origin: germline.

Literature cited by the submitters: PubMed 18641513 (cited by Labcorp Genetics (formerly Invitae), Labcorp and Women's Health and Genetics/Laboratory Corporation of America, LabCorp); PubMed 18442948 (cited by Women's Health and Genetics/Laboratory Corporation of America, LabCorp); PubMed 25255367 (cited by Women's Health and Genetics/Laboratory Corporation of America, LabCorp); PubMed 38274105 (cited by Women's Health and Genetics/Laboratory Corporation of America, LabCorp).